The following is an entry in ClinVar:

NC_000015.9:g.(?_25650588)_(25650609_?)dup

Gene: UBE3A (ubiquitin protein ligase E3A; minus strand). Cytogenetic location: 15q11.2.
Variant type: Duplication.
Identifiers: ClinVar variation 3243749 (VCV003243749.1).

ClinVar aggregate classification (germline): Uncertain significance (1 of 4 stars; one submission).

Conditions:
Angelman syndrome (AS). Also called: HAPPY PUPPET SYNDROME. Identifiers: Orphanet 72, MedGen C0162635, MONDO:0007113, OMIM 105830. Disease mechanism: loss of function. Inheritance: AS is caused by disruption of maternally imprinted UBE3A located within the 15q11.2-q13 Angelman syndrome/Prader-Willi syndrome (AS/PWS) region., imprinting disorder.

Submission:

Labcorp Genetics (formerly Invitae), Labcorp
Classification: Uncertain significance for Angelman syndrome. Last evaluated: 2023-12-05. Review status: criteria provided, single submitter. Criteria: Invitae Variant Classification Sherloc (09022015). Collection method: clinical testing. Allele origin: unknown.
Comment: This variant results in a copy number gain of the genomic region encompassing exon(s) 1 of the UBE3A gene. This region includes the initiator codon of the gene. This copy number gain extends beyond the assayed region for this gene and therefore may encompass additional genes. As the precise location of this event is unknown, it may be in tandem or it may be located elsewhere in the genome. This variant has not been reported in the literature in individuals affected with UBE3A-related conditions. Experimental studies and prediction algorithms are not available or were not evaluated, and the functional significance of this variant is currently unknown. In summary, the available evidence is currently insufficient to determine the role of this variant in disease. Therefore, it has been classified as a Variant of Uncertain Significance.